The following is an entry in ClinVar:

NM_006302.3(MOGS):c.587G>A (p.Gly196Asp)

Gene: MOGS (mannosyl-oligosaccharide glucosidase; minus strand). Cytogenetic location: 2p13.1.
Variant type: single nucleotide variant.
Coding change: c.587G>A on transcript NM_006302.3 (MANE Select); coding-DNA position 587, G replaced by A.
Protein change: p.Gly196Asp; replaces glycine 196 with aspartic acid.
Molecular consequence: missense variant.
Genome position (GRCh38, 1-based): chr2:74,463,379, C>T on the plus strand (G>A on the coding strand, the complement: MOGS is on the minus strand). VCF-style: chr2-74463379-C-T. GRCh37 (hg19) VCF-style: chr2-74690506-C-T.
Other names: c.587G>A, p.Gly196Asp (LRG_1226t1); c.269G>A, p.Gly90Asp (NM_001146158.2); short protein forms G196D, G90D.
Identifiers: ClinVar variation 653411 (VCV000653411.8), dbSNP rs1257661743, ClinGen allele CA347380382.

ClinVar aggregate classification (germline): Uncertain significance (1 of 4 stars; one submission).

Conditions:
MOGS-congenital disorder of glycosylation. Also called: GLUCOSIDASE I DEFICIENCY; MOGS-CDG; CDG IIb; CDG 2B. Identifiers: Orphanet 79330, MedGen C1853736, MONDO:0011629, OMIM 606056.

Allele frequency attached by ClinVar (database versions not stated): gnomAD exomes below 0.00001; gnomAD 0.00001; TOPMed 0.00001.

Submission:

Labcorp Genetics (formerly Invitae), Labcorp
Classification: Uncertain significance for MOGS-congenital disorder of glycosylation. Last evaluated: 2023-04-05. Review status: criteria provided, single submitter. Criteria: Invitae Variant Classification Sherloc (09022015). Collection method: clinical testing. Allele origin: germline.
Comment: ClinVar contains an entry for this variant (Variation ID: 653411). This variant has not been reported in the literature in individuals affected with MOGS-related conditions. This variant is present in population databases (no rsID available, gnomAD 0.003%). This sequence change replaces glycine, which is neutral and non-polar, with aspartic acid, which is acidic and polar, at codon 196 of the MOGS protein (p.Gly196Asp). Advanced modeling of protein sequence and biophysical properties (such as structural, functional, and spatial information, amino acid conservation, physicochemical variation, residue mobility, and thermodynamic stability) performed at Invitae indicates that this missense variant is not expected to disrupt MOGS protein function. In summary, the available evidence is currently insufficient to determine the role of this variant in disease. Therefore, it has been classified as a Variant of Uncertain Significance.